The following is an entry in ClinVar:

ClinVar aggregate classification (germline): Uncertain significance. Review status: criteria provided, multiple submitters, no conflicts (2 of 4 stars). 2 submissions from 2 submitters: Uncertain significance (2). Last evaluated 2026-07-21.

Conditions:
PLXNA2-related disorder. Also called: PLXNA2-related condition.

gnomAD v4.1: 95 of 1,613,424 alleles (0.0059%); highest among the groups gnomAD compares: Non-Finnish European, 0.0078%; no homozygotes.

Submissions (2):

PreventionGenetics, part of Exact Sciences
Classification: Uncertain significance for PLXNA2-related condition. Last evaluated: 2026-07-21. Review status: criteria provided, single submitter. Criteria: ACMG Guidelines, 2015. Collection method: clinical testing. Allele origin: germline.
Comment: The PLXNA2 c.2525C>A variant is predicted to result in the amino acid substitution p.Ser842Tyr. To our knowledge, this variant has not been reported in the literature. This variant is reported in 0.0044% of alleles in individuals of European (Non-Finnish) descent in gnomAD. At this time, the clinical significance of this variant is uncertain due to the absence of conclusive functional and genetic evidence.

Labcorp Genetics (formerly Invitae), Labcorp
Classification: Uncertain significance. Last evaluated: 2022-12-22. Review status: criteria provided, single submitter. Criteria: Invitae Variant Classification Sherloc (09022015). Collection method: clinical testing. Allele origin: germline.
Comment: This variant has not been reported in the literature in individuals affected with PLXNA2-related conditions. This variant is present in population databases (rs143711247, gnomAD 0.004%). This sequence change replaces serine, which is neutral and polar, with tyrosine, which is neutral and polar, at codon 842 of the PLXNA2 protein (p.Ser842Tyr). ClinVar contains an entry for this variant (Variation ID: 1496132). In summary, the available evidence is currently insufficient to determine the role of this variant in disease. Therefore, it has been classified as a Variant of Uncertain Significance. Advanced modeling of protein sequence and biophysical properties (such as structural, functional, and spatial information, amino acid conservation, physicochemical variation, residue mobility, and thermodynamic stability) performed at Invitae indicates that this missense variant is not expected to disrupt PLXNA2 protein function.

NM_025179.4(PLXNA2):c.2525C>A (p.Ser842Tyr)

Gene: PLXNA2 (plexin A2; minus strand). Cytogenetic location: 1q32.2.
Variant type: single nucleotide variant.
Coding change: c.2525C>A on transcript NM_025179.4 (MANE Select); coding-DNA position 2525, C replaced by A.
Protein change: p.Ser842Tyr; replaces serine 842 with tyrosine.
Molecular consequence: missense variant.
Genome position (GRCh38, 1-based): chr1:208,079,321, G>T on the plus strand (C>A on the coding strand, the complement: PLXNA2 is on the minus strand). VCF-style: chr1-208079321-G-T. GRCh37 (hg19) VCF-style: chr1-208252666-G-T.
Other names: c.2525C>A (NM_025179.3); short protein forms S842Y.
Identifiers: ClinVar variation 1496132 (VCV001496132.8), dbSNP rs143711247, ClinGen allele CA1373489.
Genomic context (GRCh38, chr1:208,079,321, plus strand): 5'-TCGGTGATTTGAGGGTTGGAGCACTTGACATTGTGGCTGGACCAGTCGAGCCAGGGGCTG[G>T]AAGGGCTGGTACAGTGCTGGTGGAGGGTGCACCTGCGCTCGCCGCTGCACCAGCCACACT-3'
Protein context (NP_079455.3, residues 832-852): CTLHQHCTSP[Ser842Tyr]SPWLDWSSHN